The following is an entry in ClinVar:

NM_001369.3(DNAH5):c.8250T>A (p.Cys2750Ter)

Gene: DNAH5 (dynein axonemal heavy chain 5; minus strand). Cytogenetic location: 5p15.2.
Variant type: single nucleotide variant.
Coding change: c.8250T>A on transcript NM_001369.3 (MANE Select); coding-DNA position 8250, T replaced by A.
Protein change: p.Cys2750Ter; replaces cysteine 2750 with a stop codon.
Molecular consequence: nonsense.
Genome position (GRCh38, 1-based): chr5:13,792,192, A>T on the plus strand (T>A on the coding strand, the complement: DNAH5 is on the minus strand). VCF-style: chr5-13792192-A-T. GRCh37 (hg19) VCF-style: chr5-13792301-A-T.
Other names: c.8250T>A (NM_001369.2); short protein forms C2750*.
Identifiers: ClinVar variation 1072716 (VCV001072716.8), dbSNP rs2126901167, ClinGen allele CA359219735.

ClinVar aggregate classification (germline): Pathogenic/Likely pathogenic. Review status: criteria provided, multiple submitters, no conflicts (2 of 4 stars). 2 submissions from 2 submitters: Pathogenic (1); Likely pathogenic (1). Last evaluated 2025-07-20.

Conditions:
Primary ciliary dyskinesia. Also called: Ciliary dyskinesia. Identifiers: Orphanet 244, MedGen C0008780, MONDO:0016575, HP:0012265.

gnomAD v4.1: 12 of 1,614,040 alleles (0.00074%); highest among the groups gnomAD compares: Non-Finnish European, 0.001%; no homozygotes.

Submissions (2):

Natera, Inc.
Classification: Likely pathogenic for Primary ciliary dyskinesia. Last evaluated: 2025-07-20. Review status: criteria provided, single submitter. Criteria: Natera Variant Classification Schema (03/2026). Collection method: clinical testing. Allele origin: germline.
Comment: The c.8250T>A variant in DNAH5 is a nonsense variant predicted to introduce a stop codon at amino acid 2750. This variant is expected to result in nonsense mediated decay, truncation, or a dysfunctional protein product. This variant is rare in the general population with a frequency below the threshold expected for the associated phenotype(s). Given the available evidence, this variant is classified as Likely Pathogenic.

Labcorp Genetics (formerly Invitae), Labcorp
Classification: Pathogenic for Primary ciliary dyskinesia. Last evaluated: 2020-05-12. Review status: criteria provided, single submitter. Criteria: Invitae Variant Classification Sherloc (09022015). Collection method: clinical testing. Allele origin: germline.
Comment: For these reasons, this variant has been classified as Pathogenic. Loss-of-function variants in DNAH5 are known to be pathogenic (PMID: 11788826, 16627867). This variant has not been reported in the literature in individuals with DNAH5-related conditions. This variant is not present in population databases (ExAC no frequency). This sequence change creates a premature translational stop signal (p.Cys2750*) in the DNAH5 gene. It is expected to result in an absent or disrupted protein product.

Literature cited by the submitters: PubMed 11788826 (cited by Labcorp Genetics (formerly Invitae), Labcorp); PubMed 16627867 (cited by Labcorp Genetics (formerly Invitae), Labcorp).